The following is an entry in ClinVar:

ClinVar aggregate classification (germline): Likely benign (1 of 4 stars; one submission).

Submission:

CeGaT Center for Human Genetics Tuebingen
Classification: Likely benign. Last evaluated: 2025-10-01. Review status: criteria provided, single submitter. Criteria: CeGaT Center For Human Genetics Tuebingen Variant Classification Criteria Version 2. Collection method: clinical testing. Allele origin: germline. Affected: yes. Observed: 1 variant allele.
Comment: RP1L1: BP4, BP7

NM_178857.6(RP1L1):c.6549A>G (p.Pro2183=)

Gene: RP1L1 (RP1 like 1). Cytogenetic location: 8p23.1.
Variant type: single nucleotide variant.
Coding change: c.6549A>G on transcript NM_178857.6 (MANE Select); coding-DNA position 6549, A replaced by G.
Protein change: p.Pro2183=; no amino-acid change (proline 2183 retained).
Molecular consequence: synonymous variant.
Genome position (GRCh38, 1-based): chr8:10,607,549, T>C on the plus strand (A>G on the coding strand, the complement: RP1L1 is on the minus strand). VCF-style: chr8-10607549-T-C. GRCh37 (hg19) VCF-style: chr8-10465059-T-C.
Identifiers: ClinVar variation 4533415 (VCV004533415.6).